The following is an entry in ClinVar:

NM_000465.4(BARD1):c.1407C>A (p.Cys469Ter)

Gene: BARD1 (BRCA1 associated RING domain 1; minus strand). Cytogenetic location: 2q35.
Variant type: single nucleotide variant.
Coding change: c.1407C>A on transcript NM_000465.4 (MANE Select); coding-DNA position 1407, C replaced by A.
Protein change: p.Cys469Ter; replaces cysteine 469 with a stop codon.
Molecular consequence: nonsense. On other transcripts: non-coding transcript variant (3), intron variant (3).
Genome position (GRCh38, 1-based): chr2:214,767,643, G>T on the plus strand (C>A on the coding strand, the complement: BARD1 is on the minus strand). VCF-style: chr2-214767643-G-T. GRCh37 (hg19) VCF-style: chr2-215632367-G-T.
Other names: c.1350C>A, p.Cys450Ter (NM_001282543.2); c.159-15088C>A (NM_001282548.2); c.216-15088C>A (NM_001282545.2); c.364+24654C>A (NM_001282549.2); short protein forms C469*, C450*.
Identifiers: ClinVar variation 460706 (VCV000460706.17), dbSNP rs1553619349, ClinGen allele CA350448807.
Genomic context (GRCh38, chr2:214,767,643, plus strand): 5'-GGTGTTCACCAATGCCTTATGCTGGAGCAATAATTCCACTACCTTCAGGTGCCCATGATT[G>T]CAAGCTTCATGCTAATTAAATTTTTTGAAAAAGAAGTGAAAGAAGTGATAAGAAAGAGCA-3'

ClinVar aggregate classification (germline): Pathogenic/Likely pathogenic. Review status: criteria provided, multiple submitters, no conflicts (2 of 4 stars). 4 submissions from 4 submitters: Pathogenic (3); Likely pathogenic (1). Last evaluated 2024-09-27.

Conditions:
Familial cancer of breast. Also called: BREAST CANCER, FAMILIAL; hereditary breast carcinoma; Hereditary breast cancer. Identifiers: Orphanet 227535, MedGen C0346153, MONDO:0016419, OMIM 114480. Disease mechanism: loss of function.
Hereditary cancer-predisposing syndrome. Also called: Neoplastic Syndromes, Hereditary; Tumor predisposition; Hereditary Cancer Syndrome; Hereditary neoplastic syndrome. Identifiers: Orphanet 140162, MedGen C0027672, MeSH D009386, MONDO:0015356.

Allele frequency attached by ClinVar (database versions not stated): gnomAD exomes below 0.00001.
gnomAD v4.1: 1 of 1,613,930 alleles (0.000062%); highest among the groups gnomAD compares: African/African-American, 0.0013%; no homozygotes.

Submissions (4):

Ambry Genetics
Classification: Pathogenic for Hereditary cancer-predisposing syndrome. Last evaluated: 2024-09-27. Review status: criteria provided, single submitter. Criteria: Ambry Variant Classification Scheme 2023. Collection method: clinical testing. Allele origin: germline.
Comment: The p.C469* pathogenic mutation (also known as c.1407C>A), located in coding exon 6 of the BARD1 gene, results from a C to A substitution at nucleotide position 1407. This changes the amino acid from a cysteine to a stop codon within coding exon 6. This variant is considered to be rare based on population cohorts in the Genome Aggregation Database (gnomAD). This alteration is expected to result in loss of function by premature protein truncation or nonsense-mediated mRNA decay. As such, this alteration is interpreted as a disease-causing mutation.

Baylor Genetics
Classification: Likely pathogenic for Familial cancer of breast. Last evaluated: 2023-08-02. Review status: criteria provided, single submitter. Criteria: ACMG Guidelines, 2015. Collection method: clinical testing. Allele origin: unknown.

Myriad Genetics, Inc.
Classification: Pathogenic for Familial cancer of breast. Last evaluated: 2023-05-23. Review status: criteria provided, single submitter. Criteria: Myriad Autosomal Dominant, Autosomal Recessive and X-Linked Classification Criteria (2023). Collection method: clinical testing. Allele origin: unknown.
Comment: This variant is considered pathogenic. This variant creates a termination codon and is predicted to result in premature protein truncation.

Labcorp Genetics (formerly Invitae), Labcorp
Classification: Pathogenic for Familial cancer of breast. Last evaluated: 2023-05-08. Review status: criteria provided, single submitter. Criteria: Invitae Variant Classification Sherloc (09022015). Collection method: clinical testing. Allele origin: germline.
Comment: This variant is not present in population databases (gnomAD no frequency). This sequence change creates a premature translational stop signal (p.Cys469*) in the BARD1 gene. It is expected to result in an absent or disrupted protein product. Loss-of-function variants in BARD1 are known to be pathogenic (PMID: 20077502, 21344236). This variant has not been reported in the literature in individuals affected with BARD1-related conditions. For these reasons, this variant has been classified as Pathogenic. ClinVar contains an entry for this variant (Variation ID: 460706).

Literature cited by the submitters: PubMed 20077502 (cited by Labcorp Genetics (formerly Invitae), Labcorp); PubMed 21344236 (cited by Labcorp Genetics (formerly Invitae), Labcorp).